The following is an entry in ClinVar:

ClinVar aggregate classification (germline): Pathogenic (1 of 4 stars; one submission).

Conditions:
Sulfite oxidase deficiency due to molybdenum cofactor deficiency type A. Also called: Molybdenum cofactor deficiency, complementation group A; Molybdenum Cofactor Deficiency A. Identifiers: Orphanet 308386, Orphanet 833, MedGen C1854988, MONDO:0009643, OMIM 252150.

Submission:

Labcorp Genetics (formerly Invitae), Labcorp
Classification: Pathogenic for Sulfite oxidase deficiency due to molybdenum cofactor deficiency type A. Last evaluated: 2023-06-08. Review status: criteria provided, single submitter. Criteria: Invitae Variant Classification Sherloc (09022015). Collection method: clinical testing. Allele origin: unknown.
Comment: For these reasons, this variant has been classified as Pathogenic. This variant has not been reported in the literature in individuals affected with MOCS1-related conditions. This variant is a gross deletion of the genomic region encompassing exon(s) 1 of the MOCS1 gene, which includes the initiator codon. This deletion extends beyond the assayed region for this gene and therefore may encompass additional genes. It is expected to result in an absent or disrupted protein product. Loss-of-function variants in MOCS1 are known to be pathogenic (PMID: 12754701, 16021469).

Literature cited by the submitters: PubMed 12754701; PubMed 16021469.

NC_000006.11:g.(?_39902014)_(39902156_?)del

Gene: MOCS1 (molybdenum cofactor synthesis 1; minus strand). Cytogenetic location: 6p21.2.
Variant type: Deletion.
Identifiers: ClinVar variation 3246006 (VCV003246006.1).